The following is an entry in ClinVar:

NM_001352754.2(ARMC9):c.1813G>A (p.Glu605Lys)

Gene: ARMC9 (armadillo repeat containing 9; plus strand). Cytogenetic location: 2q37.1.
Variant type: single nucleotide variant.
Coding change: c.1813G>A on transcript NM_001352754.2 (MANE Select); coding-DNA position 1813, G replaced by A.
Protein change: p.Glu605Lys; replaces glutamic acid 605 with lysine.
Molecular consequence: missense variant. On other transcripts: non-coding transcript variant (1), intron variant (1).
Genome position (GRCh38, 1-based): chr2:231,331,832, G>A. VCF-style: chr2-231331832-G-A. GRCh37 (hg19) VCF-style: chr2-232196544-G-A.
Other names: c.1813G>A, p.Glu605Lys (NM_001271466.4, NM_001291656.2, NM_001352755.2 and 2 more transcripts); c.1714G>A, p.Glu572Lys (NM_001352757.2, NM_001352758.2); c.1774-13143G>A (NM_001352759.2); c.1813G>A (NM_025139.3); short protein forms E572K, E605K.
Identifiers: ClinVar variation 2144889 (VCV002144889.4), dbSNP rs750055606, ClinGen allele CA2160502.

ClinVar aggregate classification (germline): Uncertain significance. Review status: criteria provided, multiple submitters, no conflicts (2 of 4 stars). 2 submissions from 2 submitters: Uncertain significance (2). Last evaluated 2025-09-22.

Conditions:
Inborn genetic diseases. Identifiers: MedGen C0950123, MeSH D030342.

Allele frequency attached by ClinVar (database versions not stated): TOPMed below 0.00001; ExAC 0.00002.
gnomAD v4.1: 9 of 1,614,044 alleles (0.00056%); highest among the groups gnomAD compares: South Asian, 0.0033%; no homozygotes.

Submissions (2):

Ambry Genetics
Classification: Uncertain significance for Inborn genetic diseases. Last evaluated: 2025-09-22. Review status: criteria provided, single submitter. Criteria: Ambry Variant Classification Scheme 2023. Collection method: clinical testing. Allele origin: germline.

Labcorp Genetics (formerly Invitae), Labcorp
Classification: Uncertain significance. Last evaluated: 2025-05-12. Review status: criteria provided, single submitter. Criteria: Invitae Variant Classification Sherloc (09022015). Collection method: clinical testing. Allele origin: germline.
Comment: This sequence change replaces glutamic acid, which is acidic and polar, with lysine, which is basic and polar, at codon 605 of the ARMC9 protein (p.Glu605Lys). The frequency data for this variant in the population databases is considered unreliable, as metrics indicate poor data quality at this position in the gnomAD database. This variant has not been reported in the literature in individuals affected with ARMC9-related conditions. ClinVar contains an entry for this variant (Variation ID: 2144889). Experimental studies and prediction algorithms are not available or were not evaluated, and the functional significance of this variant is currently unknown. In summary, the available evidence is currently insufficient to determine the role of this variant in disease. Therefore, it has been classified as a Variant of Uncertain Significance.